The following is an entry in ClinVar:

NM_001242896.3(DEPDC5):c.3620G>C (p.Ser1207Thr)

Gene: DEPDC5 (DEP domain containing 5, GATOR1 subcomplex subunit; plus strand). Cytogenetic location: 22q12.3.
Variant type: single nucleotide variant.
Coding change: c.3620G>C on transcript NM_001242896.3 (MANE Select); coding-DNA position 3620, G replaced by C.
Protein change: p.Ser1207Thr; replaces serine 1207 with threonine.
Molecular consequence: missense variant. On other transcripts: non-coding transcript variant (4).
Genome position (GRCh38, 1-based): chr22:31,874,329, G>C. VCF-style: chr22-31874329-G-C. GRCh37 (hg19) VCF-style: chr22-32270315-G-C.
Other names: c.3593G>C, p.Ser1198Thr (NM_001136029.4); c.3320G>C, p.Ser1107Thr (NM_001242897.2); c.3554G>C, p.Ser1185Thr (NM_001363852.2, NM_001364320.2); c.3386G>C, p.Ser1129Thr (NM_001363854.2, NM_001364319.2); c.3620G>C, p.Ser1207Thr (NM_001364318.2); c.3536G>C, p.Ser1179Thr (NM_001369901.1, NM_001369902.1); c.3527G>C, p.Ser1176Thr (NM_001369903.1, NM_014662.6); c.3620G>C (NM_001242896.1); short protein forms S1107T, S1129T, S1176T, S1179T, S1185T, S1198T, S1207T.
Identifiers: ClinVar variation 1014124 (VCV001014124.9), dbSNP rs2092932829, ClinGen allele CA411277767.

ClinVar aggregate classification (germline): Uncertain significance. Review status: criteria provided, multiple submitters, no conflicts (2 of 4 stars). 2 submissions from 2 submitters: Uncertain significance (2). Last evaluated 2026-04-03.

Conditions:
Familial focal epilepsy with variable foci (FPEVF). Identifiers: Orphanet 98820, MedGen C1858477, MONDO:0020310.

Allele frequency attached by ClinVar (database versions not stated): gnomAD exomes below 0.00001.
gnomAD v4.1: 4 of 1,610,158 alleles (0.00025%); highest among the groups gnomAD compares: Non-Finnish European, 0.00034%; no homozygotes.

Submissions (2):

GeneDx
Classification: Uncertain significance. Last evaluated: 2026-04-03. Review status: criteria provided, single submitter. Criteria: GeneDx Variant Classification Process June 2021. Collection method: clinical testing. Allele origin: germline.
Comment: Not observed at significant frequency in large population cohorts (gnomAD); In silico analysis supports that this missense variant has a deleterious effect on protein structure/function; Has not been previously published as pathogenic or benign to our knowledge

Labcorp Genetics (formerly Invitae), Labcorp
Classification: Uncertain significance for Familial focal epilepsy with variable foci. Last evaluated: 2023-05-22. Review status: criteria provided, single submitter. Criteria: Invitae Variant Classification Sherloc (09022015). Collection method: clinical testing. Allele origin: germline.
Comment: This variant is not present in population databases (gnomAD no frequency). In summary, the available evidence is currently insufficient to determine the role of this variant in disease. Therefore, it has been classified as a Variant of Uncertain Significance. Algorithms developed to predict the effect of sequence changes on RNA splicing suggest that this variant may disrupt the consensus splice site. Experimental studies and prediction algorithms are not available or were not evaluated, and the functional significance of this variant is currently unknown. ClinVar contains an entry for this variant (Variation ID: 1014124). This variant has not been reported in the literature in individuals affected with DEPDC5-related conditions. This sequence change replaces serine, which is neutral and polar, with threonine, which is neutral and polar, at codon 1207 of the DEPDC5 protein (p.Ser1207Thr).